The following is an entry in ClinVar:

ClinVar aggregate classification (germline): Uncertain significance (1 of 4 stars; one submission).

Conditions:
Osteogenesis imperfecta type I (OI1). Also called: Lobstein's Disease; OI, TYPE I; OSTEOGENESIS IMPERFECTA TARDA; OSTEOGENESIS IMPERFECTA WITH BLUE SCLERAE; Osteogenesis imperfecta type 1; Lobstein disease. Identifiers: Orphanet 216796, Orphanet 666, MedGen C0023931, MONDO:0008146, OMIM 166200. Disease mechanism: loss of function.

Allele frequency attached by ClinVar (database versions not stated): gnomAD exomes 0.00001.
gnomAD v4.1: 3 of 1,613,998 alleles (0.00019%); highest among the groups gnomAD compares: Non-Finnish European, 0.00025%; no homozygotes.

Submission:

Labcorp Genetics (formerly Invitae), Labcorp
Classification: Uncertain significance for Osteogenesis imperfecta type I. Last evaluated: 2021-06-28. Review status: criteria provided, single submitter. Criteria: Invitae Variant Classification Sherloc (09022015). Collection method: clinical testing. Allele origin: germline.
Comment: This sequence change replaces proline with leucine at codon 1051 of the COL1A1 protein (p.Pro1051Leu). The proline residue is highly conserved and there is a moderate physicochemical difference between proline and leucine. This variant is not present in population databases (ExAC no frequency). This variant has not been reported in the literature in individuals affected with COL1A1-related conditions. Advanced modeling of protein sequence and biophysical properties (such as structural, functional, and spatial information, amino acid conservation, physicochemical variation, residue mobility, and thermodynamic stability) performed at Invitae indicates that this missense variant is not expected to disrupt COL1A1 protein function. In summary, the available evidence is currently insufficient to determine the role of this variant in disease. Therefore, it has been classified as a Variant of Uncertain Significance.

NM_000088.4(COL1A1):c.3152C>T (p.Pro1051Leu)

Gene: COL1A1 (collagen type I alpha 1 chain; minus strand). Cytogenetic location: 17q21.33.
Variant type: single nucleotide variant.
Coding change: c.3152C>T on transcript NM_000088.4 (MANE Select); coding-DNA position 3152, C replaced by T.
Protein change: p.Pro1051Leu; replaces proline 1051 with leucine.
Molecular consequence: missense variant.
Genome position (GRCh38, 1-based): chr17:50,188,585, G>A on the plus strand (C>T on the coding strand, the complement: COL1A1 is on the minus strand). VCF-style: chr17-50188585-G-A. GRCh37 (hg19) VCF-style: chr17-48265946-G-A.
Other names: short protein forms P1051L.
Identifiers: ClinVar variation 1364370 (VCV001364370.8), dbSNP rs2144545694, ClinGen allele CA400201073.